The following is an entry in ClinVar:

ClinVar aggregate classification (germline): Uncertain significance (1 of 4 stars; one submission).

gnomAD v4.1: 4 of 1,609,622 alleles (0.00025%); highest among the groups gnomAD compares: African/African-American, 0.0027%; no homozygotes.

Submission:

Labcorp Genetics (formerly Invitae), Labcorp
Classification: Uncertain significance. Last evaluated: 2025-03-31. Review status: criteria provided, single submitter. Criteria: Invitae Variant Classification Sherloc (09022015). Collection method: clinical testing. Allele origin: germline.
Comment: This sequence change replaces aspartic acid, which is acidic and polar, with glutamic acid, which is acidic and polar, at codon 395 of the FSCN2 protein (p.Asp395Glu). The frequency data for this variant in the population databases is considered unreliable, as metrics indicate poor data quality at this position in the gnomAD database. This variant has not been reported in the literature in individuals affected with FSCN2-related conditions. ClinVar contains an entry for this variant (Variation ID: 2957349). An algorithm developed to predict the effect of missense changes on protein structure and function (PolyPhen-2) suggests that this variant is likely to be tolerated. In summary, the available evidence is currently insufficient to determine the role of this variant in disease. Therefore, it has been classified as a Variant of Uncertain Significance.

NM_012418.4(FSCN2):c.1113C>G (p.Asp371Glu)

Gene: FSCN2 (fascin actin-bundling protein 2, retinal; plus strand). Cytogenetic location: 17q25.3.
Variant type: single nucleotide variant.
Coding change: c.1113C>G on transcript NM_012418.4 (MANE Select); coding-DNA position 1113, C replaced by G.
Protein change: p.Asp371Glu; replaces aspartic acid 371 with glutamic acid.
Molecular consequence: missense variant.
Genome position (GRCh38, 1-based): chr17:81,536,629, C>G. VCF-style: chr17-81536629-C-G. GRCh37 (hg19) VCF-style: chr17-79503655-C-G.
Other names: c.1185C>G, p.Asp395Glu (NM_001077182.3); short protein forms D371E, D395E.
Identifiers: ClinVar variation 2957349 (VCV002957349.3), dbSNP rs775589838, ClinGen allele CA8837008.